The following is an entry in ClinVar:

NM_001009944.3(PKD1):c.9032A>G (p.Tyr3011Cys)

Gene: PKD1 (polycystin 1, transient receptor potential channel interacting; minus strand). Cytogenetic location: 16p13.3.
Variant type: single nucleotide variant.
Coding change: c.9032A>G on transcript NM_001009944.3 (MANE Select); coding-DNA position 9032, A replaced by G.
Protein change: p.Tyr3011Cys; replaces tyrosine 3011 with cysteine.
Molecular consequence: missense variant.
Genome position (GRCh38, 1-based): chr16:2,102,550, T>C on the plus strand (A>G on the coding strand, the complement: PKD1 is on the minus strand). VCF-style: chr16-2102550-T-C. GRCh37 (hg19) VCF-style: chr16-2152551-T-C.
Other names: c.9032A>G, p.Tyr3011Cys (NM_000296.4); short protein forms Y3011C.
Identifiers: ClinVar variation 3907611 (VCV003907611.1).

ClinVar aggregate classification (germline): Uncertain significance (1 of 4 stars; one submission).

Submission:

Women's Health and Genetics/Laboratory Corporation of America, LabCorp
Classification: Uncertain significance. Last evaluated: 2025-06-20. Review status: criteria provided, single submitter. Criteria: LabCorp Variant Classification Summary - May 2015. Collection method: clinical testing. Allele origin: germline.
Comment: Variant summary: PKD1 c.9032A>G (p.Tyr3011Cys) results in a non-conservative amino acid change in the encoded protein sequence. Algorithms developed to predict the effect of missense changes on protein structure and function are either unavailable or do not agree on the potential impact of this missense change. The variant was absent in 247938 control chromosomes. The available data on variant occurrences in the general population are insufficient to allow any conclusion about variant significance. To our knowledge, no occurrence of c.9032A>G in individuals affected with PKD1-Biallelic Autosomal Recessive Polycystic Kidney Disease and no experimental evidence demonstrating its impact on protein function have been reported. No submitters have cited clinical-significance assessments for this variant to ClinVar. Based on the evidence outlined above, the variant was classified as uncertain significance.